The following is an entry in ClinVar:

ClinVar aggregate classification (germline): Uncertain significance (1 of 4 stars; one submission).

Submission:

Labcorp Genetics (formerly Invitae), Labcorp
Classification: Uncertain significance. Last evaluated: 2025-08-18. Review status: criteria provided, single submitter. Criteria: Invitae Variant Classification Sherloc (09022015). Collection method: clinical testing. Allele origin: germline.
Comment: This sequence change replaces leucine, which is neutral and non-polar, with valine, which is neutral and non-polar, at codon 1040 of the TET2 protein (p.Leu1040Val). This variant is not present in population databases (gnomAD no frequency). This variant has not been reported in the literature in individuals affected with TET2-related conditions. An algorithm developed to predict the effect of missense changes on protein structure and function (PolyPhen-2) suggests that this variant is likely to be tolerated. In summary, the available evidence is currently insufficient to determine the role of this variant in disease. Therefore, it has been classified as a Variant of Uncertain Significance.

NM_001127208.3(TET2):c.3118T>G (p.Leu1040Val)

Genes: TET2 (tet methylcytosine dioxygenase 2; plus strand), TET2-AS1 (TET2 antisense RNA 1; minus strand). Cytogenetic location: 4q24.
Variant type: single nucleotide variant.
Coding change: c.3118T>G on transcript NM_001127208.3 (MANE Select); coding-DNA position 3118, T replaced by G.
Protein change: p.Leu1040Val; replaces leucine 1040 with valine.
Molecular consequence: missense variant.
Genome position (GRCh38, 1-based): chr4:105,237,060, T>G. VCF-style: chr4-105237060-T-G. GRCh37 (hg19) VCF-style: chr4-106158217-T-G.
Other names: c.3118T>G, p.Leu1040Val (NM_017628.4); short protein forms L1040V.
Identifiers: ClinVar variation 4725442 (VCV004725442.1).